The following is an entry in ClinVar:

ClinVar aggregate classification (germline): Likely benign (0 of 4 stars; one submission).

Conditions:
AR-related disorder. Also called: AR-related condition.

Submission:

PreventionGenetics, part of Exact Sciences
Classification: Likely benign for AR-related condition. Last evaluated: 2023-06-16. Review status: no assertion criteria provided. Collection method: clinical testing. Allele origin: germline.
Comment: This variant is classified as likely benign based on ACMG/AMP sequence variant interpretation guidelines (Richards et al. 2015 PMID: 25741868, with internal and published modifications).

NM_000044.6(AR):c.1944C>T (p.Ser648=)

Gene: AR (androgen receptor; plus strand). Cytogenetic location: Xq12.
Variant type: single nucleotide variant.
Coding change: c.1944C>T on transcript NM_000044.6 (MANE Select); coding-DNA position 1944, C replaced by T.
Protein change: p.Ser648=; no amino-acid change (serine 648 retained).
Molecular consequence: synonymous variant.
Genome position (GRCh38, 1-based): chrX:67,711,460, C>T. VCF-style: chrX-67711460-C-T. GRCh37 (hg19) VCF-style: chrX-66931302-C-T.
Other names: c.348C>T, p.Ser116= (NM_001011645.3); c.1947C>T, p.Ser649= (NM_001424175.1).
Identifiers: ClinVar variation 3046456 (VCV003046456.2), dbSNP rs1380028281, ClinGen allele CA517048169.